The following is an entry in ClinVar:

NM_005055.5(RAPSN):c.-210A>G

Gene: RAPSN (receptor associated protein of the synapse; minus strand). Cytogenetic location: 11p11.2.
Variant type: single nucleotide variant.
Coding change: c.-210A>G on transcript NM_005055.5 (MANE Select); 210 bases upstream of the start codon, A replaced by G.
Genome position (GRCh38, 1-based): chr11:47,449,174, T>C on the plus strand (A>G on the coding strand, the complement: RAPSN is on the minus strand). VCF-style: chr11-47449174-T-C. GRCh37 (hg19) VCF-style: chr11-47470726-T-C.
Other names: -38A>G; -38A-G.
Identifiers: ClinVar variation 8051 (VCV000008051.39), dbSNP rs786200905, ClinGen allele CA212886.

ClinVar aggregate classification (germline): Pathogenic/Likely pathogenic. Review status: criteria provided, multiple submitters, no conflicts (2 of 4 stars). 11 submissions from 11 submitters: Pathogenic (5); Likely pathogenic (1). 5 of the submissions do not count toward it. Last evaluated 2025-11-09.

Conditions:
Fetal akinesia deformation sequence 2. Identifiers: MedGen C4760576, MONDO:0100102, OMIM 618388.
Autosomal recessive RAPSN-related disorders.
Congenital myasthenic syndrome 11. Also called: MYASTHENIC SYNDROME, CONGENITAL, Ie; Myasthenic syndrome, congenital, 11, associated with acetylcholine receptor deficiency. Identifiers: Orphanet 590, MedGen C4225367, MONDO:0014588, OMIM 616326.
Fetal akinesia deformation sequence 1 (FADS1). Also called: Pena-Shokeir syndrome type I; Fetal akinesia sequence. Identifiers: Orphanet 994, MedGen C1276035, MONDO:0100101, OMIM 208150, HP:0001989.
Congenital myasthenic syndrome (CMS). Also called: Congenital Myasthenic Syndromes. Identifiers: Orphanet 590, MedGen C0751882, MeSH D020294, MONDO:0018940.
Abnormality of the musculature. Identifiers: MedGen C4021745, HP:0003011.

Allele frequency attached by ClinVar (database versions not stated): gnomAD 0.00002; TOPMed 0.00001; gnomAD exomes 0.00002.

Submissions (11):

Labcorp Genetics (formerly Invitae), Labcorp
Classification: Pathogenic for Congenital myasthenic syndrome 11; Fetal akinesia deformation sequence 1. Last evaluated: 2025-11-09. Review status: criteria provided, single submitter. Criteria: Invitae Variant Classification Sherloc (09022015). Collection method: clinical testing. Allele origin: germline.
Comment: This variant occurs in a non-coding region of the RAPSN gene. It does not change the encoded amino acid sequence of the RAPSN protein. This variant is present in population databases (rs786200905, gnomAD 0.06%). This variant has been observed in individual(s) with congenital myasthenic syndrome (PMID: 12651869, 15145336, 19620612, 22326364). In at least one individual the data is consistent with being in trans (on the opposite chromosome) from a pathogenic variant. It has also been observed to segregate with disease in related individuals. ClinVar contains an entry for this variant (Variation ID: 8051). Studies have shown that this variant alters RAPSN gene expression (PMID: 12651869, 15282317). For these reasons, this variant has been classified as Pathogenic.

Variantyx, Inc.
Classification: Pathogenic for Autosomal recessive RAPSN-related disorders. Last evaluated: 2025-10-01. Review status: criteria provided, single submitter. Criteria: Variantyx Assertion Criteria 2022. Collection method: clinical testing. Allele origin: germline. Inheritance: Autosomal recessive inheritance.
Comment: This is an intronic variant in the RAPSN gene (OMIM: 601592). Pathogenic variants in this gene have been associated with autosomal recessive RAPSN-related disorders. Functional studies have shown that this variant alters RAPSN protein function (PMID: 12651869, 15282317) (PS3_Moderate). This variant has a 0.0068% maximum allele frequency in non-founder control populations (PM2). Based on the current evidence, this variant is classified as pathogenic for autosomal recessive RAPSN-related disorders.

GeneDx
Classification: Pathogenic. Last evaluated: 2025-08-15. Review status: criteria provided, single submitter. Criteria: GeneDx Variant Classification Process June 2021. Collection method: clinical testing. Allele origin: germline. Affected: yes.
Comment: Published functional studies demonstrate a damaging effect as impaired transcriptional activity is predicted to reduce rapsyn expression (PMID: 12651869); Not observed at significant frequency in large population cohorts (gnomAD); In silico analysis suggests that this variant does not alter splicing; Also known as c.-38A>G; This variant is associated with the following publications: (PMID: 15145336, 22326364, 39589458, 15282317, 38964204, 38968664, 37721175, 19620612, 12651869)

Fulgent Genetics
Classification: Pathogenic for Congenital myasthenic syndrome 11; Fetal akinesia deformation sequence 2. Last evaluated: 2024-06-09. Review status: criteria provided, single submitter. Criteria: ACMG Guidelines, 2015. Collection method: clinical testing. Allele origin: germline.

Baylor Genetics
Classification: Pathogenic for Fetal akinesia deformation sequence 2. Last evaluated: 2024-03-23. Review status: criteria provided, single submitter. Criteria: ACMG Guidelines, 2015. Collection method: clinical testing. Allele origin: unknown.

Kariminejad - Najmabadi Pathology & Genetics Center
Classification: Likely pathogenic for Abnormality of the musculature. Last evaluated: 2021-07-10. Review status: criteria provided, single submitter. Criteria: ACMG Guidelines, 2015. Collection method: clinical testing. Allele origin: germline. Affected: yes.

Natera, Inc.
Classification: Pathogenic for Congenital myasthenic syndrome. Last evaluated: 2020-09-16. Review status: no assertion criteria provided. Collection method: clinical testing. Allele origin: germline. Not counted in ClinVar's aggregate classification.

Neuromuscular Department, Shariati Hospital, Tehran University of Medical Sciences
Classification: Likely pathogenic for Myasthenic syndrome, congenital, 11, associated with acetylcholine receptor deficiency. Last evaluated: 2020-09-02. Review status: no assertion criteria provided. Collection method: clinical testing. Allele origin: germline. Inheritance: Autosomal recessive inheritance. Affected: yes. Not counted in ClinVar's aggregate classification.
Comment: Slow RNS was in favor of a neuromuscular junction disorder.

Counsyl
Classification: Pathogenic for Fetal akinesia deformation sequence 1; Congenital myasthenic syndrome 11. Last evaluated: 2017-06-07. Review status: no assertion criteria provided. Collection method: clinical testing. Allele origin: unknown. Not counted in ClinVar's aggregate classification.

OMIM
Classification: Pathogenic for MYASTHENIC SYNDROME, CONGENITAL, 11, ASSOCIATED WITH ACETYLCHOLINE RECEPTOR DEFICIENCY. Last evaluated: 2004-08-01. Review status: no assertion criteria provided. Collection method: literature only. Allele origin: germline. Not counted in ClinVar's aggregate classification.

GeneReviews
No classification provided. Condition: Congenital myasthenic syndrome. Review status: no classification provided. Collection method: literature only. Allele origin: germline. Affected: yes. Not counted in ClinVar's aggregate classification.

Literature cited by the submitters: PubMed 12651869 (cited by 5 submitters); PubMed 15145336 (cited by 3 submitters); PubMed 19620612 (cited by 3 submitters); PubMed 22326364 (cited by 3 submitters); PubMed 15282317 (cited by 4 submitters); PubMed 2245297 (cited by OMIM); NCBI Bookshelf NBK1168 (cited by GeneReviews).